The following is an entry in ClinVar:

ClinVar aggregate classification (germline): Uncertain significance. Review status: criteria provided, multiple submitters, no conflicts (2 of 4 stars). 2 submissions from 2 submitters: Uncertain significance (2). Last evaluated 2025-02-07.

Conditions:
Inborn genetic diseases. Identifiers: MedGen C0950123, MeSH D030342.

Allele frequency attached by ClinVar (database versions not stated): TOPMed below 0.00001; gnomAD 0.00002; gnomAD exomes 0.00003; ExAC 0.00006.
gnomAD v4.1: 30 of 1,548,218 alleles (0.0019%); highest among the groups gnomAD compares: South Asian, 0.019%; no homozygotes.

Submissions (2):

Ambry Genetics
Classification: Uncertain significance for Inborn genetic diseases. Last evaluated: 2025-02-07. Review status: criteria provided, single submitter. Criteria: Ambry Variant Classification Scheme 2023. Collection method: clinical testing. Allele origin: germline.

Labcorp Genetics (formerly Invitae), Labcorp
Classification: Uncertain significance. Last evaluated: 2022-06-22. Review status: criteria provided, single submitter. Criteria: Invitae Variant Classification Sherloc (09022015). Collection method: clinical testing. Allele origin: germline.
Comment: This sequence change replaces arginine, which is basic and polar, with cysteine, which is neutral and slightly polar, at codon 388 of the PEPD protein (p.Arg388Cys). This variant is present in population databases (rs776209368, gnomAD 0.01%). This variant has not been reported in the literature in individuals affected with PEPD-related conditions. Algorithms developed to predict the effect of missense changes on protein structure and function are either unavailable or do not agree on the potential impact of this missense change (SIFT: "Deleterious"; PolyPhen-2: "Probably Damaging"; Align-GVGD: "Class C0"). In summary, the available evidence is currently insufficient to determine the role of this variant in disease. Therefore, it has been classified as a Variant of Uncertain Significance.

NM_000285.4(PEPD):c.1162C>T (p.Arg388Cys)

Gene: PEPD (peptidase D; minus strand). Cytogenetic location: 19q13.11.
Variant type: single nucleotide variant.
Coding change: c.1162C>T on transcript NM_000285.4 (MANE Select); coding-DNA position 1162, C replaced by T.
Protein change: p.Arg388Cys; replaces arginine 388 with cysteine.
Molecular consequence: missense variant.
Genome position (GRCh38, 1-based): chr19:33,388,072, G>A on the plus strand (C>T on the coding strand, the complement: PEPD is on the minus strand). VCF-style: chr19-33388072-G-A. GRCh37 (hg19) VCF-style: chr19-33878978-G-A.
Other names: c.1039C>T, p.Arg347Cys (NM_001166056.2); c.970C>T, p.Arg324Cys (NM_001166057.2); c.1162C>T (NM_000285.3); short protein forms R324C, R347C, R388C.
Identifiers: ClinVar variation 1450303 (VCV001450303.4), dbSNP rs776209368, ClinGen allele CA9363970.